The following is an entry in ClinVar:

NM_001354735.1(PFKM):c.180G>T (p.Val60=)

Gene: PFKM (phosphofructokinase, muscle; plus strand). Cytogenetic location: 12q13.11.
Variant type: single nucleotide variant.
Coding change: c.180G>T on transcript NM_001354735.1; coding-DNA position 180, G replaced by T.
Protein change: p.Val60=; no amino-acid change (valine 60 retained).
Molecular consequence: synonymous variant. On other transcripts: non-coding transcript variant (1), intron variant (4).
Genome position (GRCh38, 1-based): chr12:48,108,169, G>T. VCF-style: chr12-48108169-G-T. GRCh37 (hg19) VCF-style: chr12-48501952-G-T.
Other names: c.180G>T, p.Val60= (NM_001166686.2, NM_001354736.1, NM_001354737.1 and 3 more transcripts); c.-81+2750G>T (NM_001354741.2); c.-9+2750G>T (NM_001354742.2); c.-85+2750G>T (NM_001354747.2); c.-9+2359G>T (NM_001354743.2).
Identifiers: ClinVar variation 3036813 (VCV003036813.2), dbSNP rs1946869646, ClinGen allele CA479467981.

ClinVar aggregate classification (germline): Likely benign (0 of 4 stars; one submission).

Conditions:
PFKM-related disorder. Also called: PFKM-related condition.

Allele frequency attached by ClinVar (database versions not stated): TOPMed 0.00001.
gnomAD v4.1: 1 of 1,598,722 alleles (0.000063%); highest among the groups gnomAD compares: African/African-American, 0.0013%; no homozygotes.

Submission:

PreventionGenetics, part of Exact Sciences
Classification: Likely benign for PFKM-related condition. Last evaluated: 2021-08-04. Review status: no assertion criteria provided. Collection method: clinical testing. Allele origin: germline.
Comment: This variant is classified as likely benign based on ACMG/AMP sequence variant interpretation guidelines (Richards et al. 2015 PMID: 25741868, with internal and published modifications).